The following is an entry in ClinVar:

ClinVar aggregate classification (germline): Pathogenic (1 of 4 stars; one submission).

Conditions:
Congenital microcephaly - severe encephalopathy - progressive cerebral atrophy syndrome. Also called: ASNS DEFICIENCY; Asparagine synthetase deficiency. Identifiers: Orphanet 391376, MedGen C3809971, MONDO:0014258, OMIM 615574.

Submission:

Myriad Genetics, Inc.
Classification: Pathogenic for Congenital microcephaly - severe encephalopathy - progressive cerebral atrophy syndrome. Last evaluated: 2026-04-24. Review status: criteria provided, single submitter. Criteria: Myriad Autosomal Dominant, Autosomal Recessive and X-Linked Classification Criteria (2023). Collection method: clinical testing. Allele origin: unknown.
Comment: NM_001673.4(ASNS):c.1373_1376del4ins12(I458Tfs*20) is a frameshift variant classified as pathogenic in the context of asparagine synthetase deficiency. I458Tfs*20 has not been observed in cases with relevant disease. Relevant functional assessments of this variant are not available in the literature. I458Tfs*20 has not been observed in referenced population frequency databases. In summary, NM_001673.4(ASNS):c.1373_1376del4ins12(I458Tfs*20) is a frameshift variant in a gene where loss of function is a known mechanism of disease and is predicted to disrupt protein function. Please note: this variant was assessed in the context of healthy population screening.

NM_001673.5(ASNS):c.1373_1376delinsCATACAAAAGCT (p.Ile458fs)

Genes: ASNS (asparagine synthetase (glutamine-hydrolyzing); minus strand), CZ1P-ASNS (CZ1P-ASNS readthrough; minus strand). Cytogenetic location: 7q21.3.
Variant type: Indel.
Coding change: c.1373_1376delinsCATACAAAAGCT on transcript NM_001673.5 (MANE Select); coding-DNA positions 1373 to 1376, TACC replaced by CATACAAAAGCT.
Protein change: p.Ile458fs; shifts the reading frame from isoleucine 458.
Molecular consequence: frameshift variant. On other transcripts: non-coding transcript variant (1).
Genome position (GRCh38, 1-based): chr7:97,853,160-97,853,163, GGTA replaced by AGCTTTTGTATG on the plus strand (TACC replaced by CATACAAAAGCT on the coding strand, the reverse complement: ASNS is on the minus strand). VCF-style: chr7-97853160-GGTA-AGCTTTTGTATG. GRCh37 (hg19) VCF-style: chr7-97482472-GGTA-AGCTTTTGTATG.
Other names: c.1310_1313delinsCATACAAAAGCT, p.Ile437fs (NM_001178075.2); c.1124_1127delinsCATACAAAAGCT, p.Ile375fs (NM_001178076.2, NM_001178077.1); c.1373_1376delinsCATACAAAAGCT, p.Ile458fs (NM_001352496.2, NM_133436.3, NM_183356.4); short protein forms I437fs, I458fs, I375fs.
Identifiers: ClinVar variation 5003829 (VCV005003829.1).
Genomic context (GRCh38, chr7:97,853,160, plus strand): 5'-TTCTTAACTGAAGTTATTCCATCACTGAAGGCTTCTTTTGGTCGCCAGAGAATCTCTTTG[GGTA>AGCTTTTGTATG]TCAGATTGGAATCCTCAAACGTCTCTCTCAGGAGATGTTTTTCTATCCCATTCTGACGTG-3'